The following is an entry in ClinVar:

ClinVar aggregate classification (germline): Uncertain significance (1 of 4 stars; one submission).

Submission:

Labcorp Genetics (formerly Invitae), Labcorp
Classification: Uncertain significance. Last evaluated: 2022-11-08. Review status: criteria provided, single submitter. Criteria: Invitae Variant Classification Sherloc (09022015). Collection method: clinical testing. Allele origin: germline.
Comment: Algorithms developed to predict the effect of missense changes on protein structure and function are either unavailable or do not agree on the potential impact of this missense change (SIFT: "Deleterious"; PolyPhen-2: "Probably Damaging"; Align-GVGD: "Class C0"). In summary, the available evidence is currently insufficient to determine the role of this variant in disease. Therefore, it has been classified as a Variant of Uncertain Significance. This variant has not been reported in the literature in individuals affected with ASXL1-related conditions. This variant is not present in population databases (gnomAD no frequency). This sequence change replaces aspartic acid, which is acidic and polar, with histidine, which is basic and polar, at codon 1525 of the ASXL1 protein (p.Asp1525His).

NM_015338.6(ASXL1):c.4573G>C (p.Asp1525His)

Gene: ASXL1 (ASXL transcriptional regulator 1; plus strand). Cytogenetic location: 20q11.21.
Variant type: single nucleotide variant.
Coding change: c.4573G>C on transcript NM_015338.6 (MANE Select); coding-DNA position 4573, G replaced by C.
Protein change: p.Asp1525His; replaces aspartic acid 1525 with histidine.
Molecular consequence: missense variant.
Genome position (GRCh38, 1-based): chr20:32,437,285, G>C. VCF-style: chr20-32437285-G-C. GRCh37 (hg19) VCF-style: chr20-31025088-G-C.
Other names: c.4390G>C, p.Asp1464His (NM_001363734.1); short protein forms D1464H, D1525H.
Identifiers: ClinVar variation 1718913 (VCV001718913.5), dbSNP rs139397200, ClinGen allele CA408565468.